The following is an entry in ClinVar:

NM_000090.4(COL3A1):c.2229+8C>G

Gene: COL3A1 (collagen type III alpha 1 chain; plus strand). Cytogenetic location: 2q32.2.
Variant type: single nucleotide variant.
Coding change: c.2229+8C>G on transcript NM_000090.4 (MANE Select); 8 bases into the intron after coding-DNA position 2229, C replaced by G.
Molecular consequence: intron variant.
Genome position (GRCh38, 1-based): chr2:188,999,585, C>G. VCF-style: chr2-188999585-C-G. GRCh37 (hg19) VCF-style: chr2-189864311-C-G.
Identifiers: ClinVar variation 4885294 (VCV004885294.2).

ClinVar aggregate classification (germline): Uncertain significance (1 of 4 stars; one submission).

Submission:

Dasa
Classification: Uncertain significance. Last evaluated: 2025-01-15. Review status: criteria provided, single submitter. Criteria: DASA Assertion Criteria. Collection method: clinical testing. Allele origin: germline.
Comment: NM_000090.4(COL3A1):c.2229+8C>G is a splice-region variant. This variant is absent from population databases. The currently available literature and clinical evidence are not sufficient to establish a definitive association between this variant and the reported condition. Therefore, this variant is classified as a variant of uncertain significance.